The following is an entry in ClinVar:

NM_001378183.1(PIEZO2):c.2594C>T (p.Pro865Leu)

Gene: PIEZO2 (piezo type mechanosensitive ion channel component 2; minus strand). Cytogenetic location: 18p11.22.
Variant type: single nucleotide variant.
Coding change: c.2594C>T on transcript NM_001378183.1 (MANE Select); coding-DNA position 2594, C replaced by T.
Protein change: p.Pro865Leu; replaces proline 865 with leucine.
Molecular consequence: missense variant.
Genome position (GRCh38, 1-based): chr18:10,773,603, G>A on the plus strand (C>T on the coding strand, the complement: PIEZO2 is on the minus strand). VCF-style: chr18-10773603-G-A. GRCh37 (hg19) VCF-style: chr18-10773601-G-A.
Other names: c.2594C>T, p.Pro865Leu (NM_001410871.1); c.2519C>T, p.Pro840Leu (NM_022068.4); short protein forms P840L, P865L.
Identifiers: ClinVar variation 3418265 (VCV003418265.2).
Genomic context (GRCh38, chr18:10,773,603, plus strand): 5'-GCCAACTTCCTCACCTCCGGCTTCTCCAGGCTGGCAGTCAGATGCATCATGGTGAGGTCC[G>A]GGAGGCTTCCTTCCGGGTGGGCCAGTCTGTTGGCAGAGAGCAGCTGAGTCAGAAGAGGAA-3'
Protein context (NP_001365112.1, residues 855-875): NELAHPEGSL[Pro865Leu]DLTMMHLTAS

ClinVar aggregate classification (germline): Uncertain significance. Review status: criteria provided, multiple submitters, no conflicts (2 of 4 stars). 2 submissions from 2 submitters: Uncertain significance (2). Last evaluated 2025-08-30.

Conditions:
Inborn genetic diseases. Identifiers: MedGen C0950123, MeSH D030342.

gnomAD v4.1: 63 of 1,537,286 alleles (0.0041%); highest among the groups gnomAD compares: African/African-American, 0.027%; no homozygotes.

Submissions (2):

Labcorp Genetics (formerly Invitae), Labcorp
Classification: Uncertain significance. Last evaluated: 2025-08-30. Review status: criteria provided, single submitter. Criteria: Invitae Variant Classification Sherloc (09022015). Collection method: clinical testing. Allele origin: germline.
Comment: This sequence change replaces proline, which is neutral and non-polar, with leucine, which is neutral and non-polar, at codon 840 of the PIEZO2 protein (p.Pro840Leu). This variant is present in population databases (rs529806981, gnomAD 0.006%). This variant has not been reported in the literature in individuals affected with PIEZO2-related conditions. ClinVar contains an entry for this variant (Variation ID: 3418265). Invitae Evidence Modeling of protein sequence and biophysical properties (such as structural, functional, and spatial information, amino acid conservation, physicochemical variation, residue mobility, and thermodynamic stability) indicates that this missense variant is not expected to disrupt PIEZO2 protein function with a negative predictive value of 80%. In summary, the available evidence is currently insufficient to determine the role of this variant in disease. Therefore, it has been classified as a Variant of Uncertain Significance.

Ambry Genetics
Classification: Uncertain significance for Inborn genetic diseases. Last evaluated: 2024-08-27. Review status: criteria provided, single submitter. Criteria: Ambry Variant Classification Scheme 2023. Collection method: clinical testing. Allele origin: germline.